The following is an entry in ClinVar:

ClinVar aggregate classification (germline): Uncertain significance (1 of 4 stars; one submission).

Allele frequency attached by ClinVar (database versions not stated): gnomAD exomes below 0.00001.
gnomAD v4.1: 2 of 1,613,922 alleles (0.00012%); highest among the groups gnomAD compares: Non-Finnish European, 0.00017%; no homozygotes.

Submission:

Labcorp Genetics (formerly Invitae), Labcorp
Classification: Uncertain significance. Last evaluated: 2022-03-14. Review status: criteria provided, single submitter. Criteria: Invitae Variant Classification Sherloc (09022015). Collection method: clinical testing. Allele origin: germline.
Comment: This variant is not present in population databases (gnomAD no frequency). In summary, the available evidence is currently insufficient to determine the role of this variant in disease. Therefore, it has been classified as a Variant of Uncertain Significance. Advanced modeling of protein sequence and biophysical properties (such as structural, functional, and spatial information, amino acid conservation, physicochemical variation, residue mobility, and thermodynamic stability) performed at Invitae indicates that this missense variant is not expected to disrupt WFS1 protein function. This variant has not been reported in the literature in individuals affected with WFS1-related conditions. This sequence change replaces asparagine, which is neutral and polar, with aspartic acid, which is acidic and polar, at codon 400 of the WFS1 protein (p.Asn400Asp).

NM_006005.3(WFS1):c.1198A>G (p.Asn400Asp)

Gene: WFS1 (wolframin ER transmembrane glycoprotein; plus strand). Cytogenetic location: 4p16.1.
Variant type: single nucleotide variant.
Coding change: c.1198A>G on transcript NM_006005.3 (MANE Select); coding-DNA position 1198, A replaced by G.
Protein change: p.Asn400Asp; replaces asparagine 400 with aspartic acid.
Molecular consequence: missense variant.
Genome position (GRCh38, 1-based): chr4:6,300,993, A>G. VCF-style: chr4-6300993-A-G. GRCh37 (hg19) VCF-style: chr4-6302720-A-G.
Other names: c.1198A>G, p.Asn400Asp (NM_001145853.1); short protein forms N400D.
Identifiers: ClinVar variation 2106804 (VCV002106804.4), dbSNP rs2474193048, ClinGen allele CA356174445.